The following is an entry in ClinVar:

NM_001164508.2(NEB):c.19924_19927del (p.Ala6642fs)

Gene: NEB (nebulin; minus strand). Cytogenetic location: 2q23.3.
Variant type: Deletion.
Coding change: c.19924_19927del on transcript NM_001164508.2 (MANE Select); coding-DNA positions 19924 to 19927, 4 bases deleted (GCAT; older notation c.19924_19927delGCAT).
Protein change: p.Ala6642fs; shifts the reading frame from alanine 6642.
Molecular consequence: frameshift variant.
Genome position (GRCh38, 1-based): chr2:151,551,755-151,551,758, ATGC deleted on the plus strand (GCAT on the coding strand, the reverse complement: NEB is on the minus strand); deleting any 4 consecutive bases within chr2:151,551,755-151,551,761 gives the same sequence; the c. name uses the placement nearest the transcript's 3' end. VCF-style (leftmost placement, unchanged base first): chr2-151551754-TATGC-T. GRCh37 (hg19) VCF-style: chr2-152408268-TATGC-T.
Other names: c.19924_19927del, p.Ala6642fs (NM_001164507.2, NM_001271208.2); c.14821_14824del, p.Ala4941fs (NM_004543.5); short protein forms A4941fs, A6642fs.
Identifiers: ClinVar variation 5012348 (VCV005012348.1).
Genomic context (GRCh38, chr2:151,551,754, plus strand): 5'-TGGAACGGATTTCTGCTGGGCACTCTCAAGTTCTCACTGCTCACCGAACTCTGGAGCTTG[TATGC>T]ATGAAGGGCCCGGTCCAGATCCACGGTTTTGGTAGTTGGAGCCACTTTGCCTCTGACACT-3'

ClinVar aggregate classification (germline): Pathogenic (1 of 4 stars; one submission).

Conditions:
Nemaline myopathy 2 (NEM2). Also called: Nemaline myopathy 2, autosomal recessive. Identifiers: MedGen C1850569, MONDO:0009725, OMIM 256030.

Submission:

Myriad Genetics, Inc.
Classification: Pathogenic for Nemaline myopathy 2. Last evaluated: 2023-10-01. Review status: criteria provided, single submitter. Criteria: Myriad Autosomal Dominant, Autosomal Recessive and X-Linked Classification Criteria (2023). Collection method: clinical testing. Allele origin: unknown.
Comment: NM_001271208.1(NEB):c.19924_19927delGCAT(A6642Tfs*38) is expected to be pathogenic in the context of NEB-related nemaline myopathy. This variant is predicted to lead to an abnormal or absent protein product due to the creation of a premature termination codon in NEB, a gene where loss-of-function variants are known to be pathogenic. Please note: this variant was assessed in the context of healthy population screening.